The following is an entry in ClinVar:

NM_080860.4(RSPH1):c.560G>A (p.Arg187His)

Gene: RSPH1 (radial spoke head component 1; minus strand). Cytogenetic location: 21q22.3.
Variant type: single nucleotide variant.
Coding change: c.560G>A on transcript NM_080860.4 (MANE Select); coding-DNA position 560, G replaced by A.
Protein change: p.Arg187His; replaces arginine 187 with histidine.
Molecular consequence: missense variant.
Genome position (GRCh38, 1-based): chr21:42,482,650, C>T on the plus strand (G>A on the coding strand, the complement: RSPH1 is on the minus strand). VCF-style: chr21-42482650-C-T. GRCh37 (hg19) VCF-style: chr21-43902760-C-T.
Other names: c.446G>A, p.Arg149His (NM_001286506.2); short protein forms R149H, R187H.
Identifiers: ClinVar variation 1417731 (VCV001417731.5), dbSNP rs746604496, ClinGen allele CA10043894.

ClinVar aggregate classification (germline): Uncertain significance (1 of 4 stars; one submission).

Conditions:
Primary ciliary dyskinesia. Also called: Ciliary dyskinesia. Identifiers: Orphanet 244, MedGen C0008780, MONDO:0016575, HP:0012265.

Allele frequency attached by ClinVar (database versions not stated): ExAC 0.00001; gnomAD 0.00001; gnomAD exomes 0.00001; TOPMed 0.00001.
gnomAD v4.1: 18 of 1,611,712 alleles (0.0011%); highest among the groups gnomAD compares: Middle Eastern, 0.016%; no homozygotes.

Submission:

Labcorp Genetics (formerly Invitae), Labcorp
Classification: Uncertain significance for Primary ciliary dyskinesia. Last evaluated: 2022-01-01. Review status: criteria provided, single submitter. Criteria: Invitae Variant Classification Sherloc (09022015). Collection method: clinical testing. Allele origin: germline.
Comment: This sequence change replaces arginine, which is basic and polar, with histidine, which is basic and polar, at codon 187 of the RSPH1 protein (p.Arg187His). This variant is present in population databases (rs746604496, gnomAD 0.007%). This variant has not been reported in the literature in individuals affected with RSPH1-related conditions. Algorithms developed to predict the effect of missense changes on protein structure and function output the following: SIFT: "Tolerated"; PolyPhen-2: "Benign"; Align-GVGD: "Class C0". The histidine amino acid residue is found in multiple mammalian species, which suggests that this missense change does not adversely affect protein function. In summary, the available evidence is currently insufficient to determine the role of this variant in disease. Therefore, it has been classified as a Variant of Uncertain Significance.